The following is an entry in ClinVar:

NM_001364905.1(LRBA):c.8377G>A (p.Val2793Met)

Gene: LRBA (LPS responsive beige-like anchor protein; minus strand). Cytogenetic location: 4q31.3.
Variant type: single nucleotide variant.
Coding change: c.8377G>A on transcript NM_001364905.1 (MANE Select); coding-DNA position 8377, G replaced by A.
Protein change: p.Val2793Met; replaces valine 2793 with methionine.
Molecular consequence: missense variant.
Genome position (GRCh38, 1-based): chr4:150,277,944, C>T on the plus strand (G>A on the coding strand, the complement: LRBA is on the minus strand). VCF-style: chr4-150277944-C-T. GRCh37 (hg19) VCF-style: chr4-151199096-C-T.
Other names: c.8374G>A, p.Val2792Met (NM_001199282.3); c.8392G>A, p.Val2798Met (NM_001367550.1); c.8410G>A, p.Val2804Met (NM_006726.5); short protein forms V2792M, V2793M, V2798M, V2804M.
Identifiers: ClinVar variation 1019383 (VCV001019383.6), dbSNP rs750339318, ClinGen allele CA3101359.

ClinVar aggregate classification (germline): Uncertain significance (1 of 4 stars; one submission).

Conditions:
Combined immunodeficiency due to LRBA deficiency. Also called: Common variable immunodeficiency 8, with autoimmunity. Identifiers: Orphanet 445018, MedGen C3553512, MONDO:0013863, OMIM 614700.

Allele frequency attached by ClinVar (database versions not stated): gnomAD 0.00001; gnomAD exomes 0.00002; TOPMed 0.00002; ExAC 0.00003.
gnomAD v4.1: 16 of 1,614,026 alleles (0.00099%); highest among the groups gnomAD compares: East Asian, 0.0045%; no homozygotes.

Submission:

Labcorp Genetics (formerly Invitae), Labcorp
Classification: Uncertain significance for Combined immunodeficiency due to LRBA deficiency. Last evaluated: 2021-08-28. Review status: criteria provided, single submitter. Criteria: Invitae Variant Classification Sherloc (09022015). Collection method: clinical testing. Allele origin: germline.
Comment: This sequence change replaces valine with methionine at codon 2804 of the LRBA protein (p.Val2804Met). The valine residue is weakly conserved and there is a small physicochemical difference between valine and methionine. This variant is present in population databases (rs750339318, ExAC 0.02%). This variant has not been reported in the literature in individuals affected with LRBA-related conditions. Algorithms developed to predict the effect of missense changes on protein structure and function output the following: SIFT: "Tolerated"; PolyPhen-2: "Benign"; Align-GVGD: "Class C0". The methionine amino acid residue is found in multiple mammalian species, which suggests that this missense change does not adversely affect protein function. In summary, the available evidence is currently insufficient to determine the role of this variant in disease. Therefore, it has been classified as a Variant of Uncertain Significance.